The following is an entry in ClinVar:

ClinVar aggregate classification (germline): Pathogenic. Review status: criteria provided, multiple submitters, no conflicts (2 of 4 stars). 2 submissions from 2 submitters: Pathogenic (2). Last evaluated 2025-06-22.

Conditions:
Duchenne muscular dystrophy (DMD). Also called: Duchenne Muscular Dystrophy (DMD); MUSCULAR DYSTROPHY, PSEUDOHYPERTROPHIC PROGRESSIVE, DUCHENNE TYPE. Identifiers: Orphanet 98896, MedGen C0013264, MONDO:0010679, OMIM 310200.

Submissions (2):

Labcorp Genetics (formerly Invitae), Labcorp
Classification: Pathogenic for Duchenne muscular dystrophy. Last evaluated: 2025-06-22. Review status: criteria provided, single submitter. Criteria: Invitae Variant Classification Sherloc (09022015). Collection method: clinical testing. Allele origin: germline.
Comment: This sequence change creates a premature translational stop signal (p.Lys18Argfs*8) in the DMD gene. It is expected to result in an absent or disrupted protein product. Loss-of-function variants in DMD are known to be pathogenic (PMID: 16770791, 25007885). This variant is not present in population databases (gnomAD no frequency). This premature translational stop signal has been observed in individual(s) with DMD-related conditions (PMID: 20485447). ClinVar contains an entry for this variant (Variation ID: 803959). For these reasons, this variant has been classified as Pathogenic.

Mendelics
Classification: Pathogenic for Duchenne muscular dystrophy. Last evaluated: 2019-05-28. Review status: criteria provided, single submitter. Criteria: Mendelics Assertion Criteria 2017. Collection method: clinical testing. Allele origin: unknown.

Literature cited by the submitters: PubMed 16770791 (cited by Labcorp Genetics (formerly Invitae), Labcorp); PubMed 25007885 (cited by Labcorp Genetics (formerly Invitae), Labcorp); PubMed 20485447 (cited by Labcorp Genetics (formerly Invitae), Labcorp).

NM_004006.3(DMD):c.53del (p.Lys18fs)

Gene: DMD (dystrophin; minus strand). Cytogenetic location: Xp21.1.
Variant type: Deletion.
Coding change: c.53del on transcript NM_004006.3 (MANE Select); coding-DNA position 53, one base deleted (A; older notation c.53delA).
Protein change: p.Lys18fs; shifts the reading frame from lysine 18.
Molecular consequence: frameshift variant. On other transcripts: 5 prime UTR variant (1).
Genome position (GRCh38, 1-based): chrX:33,020,179, T deleted on the plus strand (A on the coding strand, the reverse complement: DMD is on the minus strand); the first of 4 consecutive T bases (chrX:33,020,179-33,020,182); deleting any one gives the same sequence. VCF-style (leftmost placement, unchanged base first): chrX-33020178-CT-C. GRCh37 (hg19) VCF-style: chrX-33038295-CT-C.
Other names: c.29del, p.Lys10fs (NM_000109.4); c.41del, p.Lys14fs (NM_004009.3); c.-317del (NM_004010.3); short protein forms K18fs, K10fs, K14fs.
Identifiers: ClinVar variation 803959 (VCV000803959.2), dbSNP rs1602766531, ClinGen allele CA915951062.